The following is an entry in ClinVar:

ClinVar aggregate classification (germline): Uncertain significance (1 of 4 stars; one submission).

Submission:

GeneDx
Classification: Uncertain significance. Last evaluated: 2023-06-13. Review status: criteria provided, single submitter. Criteria: GeneDx Variant Classification Process June 2021. Collection method: clinical testing. Allele origin: germline.
Comment: Nonsense variant predicted to result in protein truncation as the last 6 amino acids are lost in a gene for which loss-of-function is not an established mechanism of disease;; Not observed at significant frequency in large population cohorts (gnomAD); Has not been previously published as pathogenic or benign to our knowledge

NM_000937.5(POLR2A):c.5892dup (p.Asp1965Ter)

Gene: POLR2A (RNA polymerase II subunit A; plus strand). Cytogenetic location: 17p13.1.
Variant type: Duplication.
Coding change: c.5892dup on transcript NM_000937.5 (MANE Select); coding-DNA position 5892, one base duplicated (T; older notation c.5892dupT).
Protein change: p.Asp1965Ter; replaces aspartic acid 1965 with a stop codon.
Molecular consequence: nonsense.
Genome position (GRCh38, 1-based): chr17:7,514,158, T duplicated. VCF-style (leftmost placement, unchanged base first): chr17-7514157-A-AT. GRCh37 (hg19) VCF-style: chr17-7417474-A-AT.
Other names: short protein forms D1965*.
Identifiers: ClinVar variation 1810597 (VCV001810597.2), dbSNP rs2508207529, ClinGen allele CA2580094779.